The following is an entry in ClinVar:

ClinVar aggregate classification (germline): Uncertain significance. Review status: criteria provided, multiple submitters, no conflicts (2 of 4 stars). 3 submissions from 3 submitters: Uncertain significance (3). Last evaluated 2023-01-23.

Conditions:
Mitochondrial complex IV deficiency, nuclear type 4. Also called: Mitochondrial complex 4 deficiency, nuclear type 4. Identifiers: MedGen C5436683, MONDO:0033636, OMIM 619048.
Inborn genetic diseases. Identifiers: MedGen C0950123, MeSH D030342.

Allele frequency attached by ClinVar (database versions not stated): gnomAD exomes 0.00001; gnomAD 0.00003; ExAC 0.00001; ESP Exome Variant Server 0.00008.

Submissions (3):

Ambry Genetics
Classification: Uncertain significance for Inborn genetic diseases. Last evaluated: 2023-01-23. Review status: criteria provided, single submitter. Criteria: Ambry Variant Classification Scheme 2023. Collection method: clinical testing. Allele origin: germline.

Baylor Genetics
Classification: Uncertain significance for Mitochondrial complex IV deficiency, nuclear type 4. Last evaluated: 2022-09-06. Review status: criteria provided, single submitter. Criteria: ACMG Guidelines, 2015. Collection method: clinical testing. Allele origin: unknown.

Labcorp Genetics (formerly Invitae), Labcorp
Classification: Uncertain significance. Last evaluated: 2022-08-20. Review status: criteria provided, single submitter. Criteria: Invitae Variant Classification Sherloc (09022015). Collection method: clinical testing. Allele origin: germline.
Comment: This sequence change replaces leucine, which is neutral and non-polar, with valine, which is neutral and non-polar, at codon 4 of the SCO1 protein (p.Leu4Val). In summary, the available evidence is currently insufficient to determine the role of this variant in disease. Therefore, it has been classified as a Variant of Uncertain Significance. Algorithms developed to predict the effect of missense changes on protein structure and function output the following: SIFT: "Tolerated"; PolyPhen-2: "Benign"; Align-GVGD: "Class C0". The valine amino acid residue is found in multiple mammalian species, which suggests that this missense change does not adversely affect protein function. This variant has not been reported in the literature in individuals affected with SCO1-related conditions. This variant is present in population databases (rs375241647, gnomAD 0.02%).

NM_004589.4(SCO1):c.10C>G (p.Leu4Val)

Genes: SCO1 (synthesis of cytochrome C oxidase 1; minus strand), LOC112529895 (Sharpr-MPRA regulatory region 5903; plus strand). Cytogenetic location: 17p13.1.
Variant type: single nucleotide variant.
Coding change: c.10C>G on transcript NM_004589.4 (MANE Select); coding-DNA position 10, C replaced by G.
Protein change: p.Leu4Val; replaces leucine 4 with valine.
Molecular consequence: missense variant.
Genome position (GRCh38, 1-based): chr17:10,697,498, G>C on the plus strand (C>G on the coding strand, the complement: SCO1 is on the minus strand). VCF-style: chr17-10697498-G-C. GRCh37 (hg19) VCF-style: chr17-10600815-G-C.
Other names: c.10C>G (NM_004589.2); short protein forms L4V.
Identifiers: ClinVar variation 2045643 (VCV002045643.7), dbSNP rs375241647, ClinGen allele CA8393738.